The following is an entry in ClinVar:

ClinVar aggregate classification (germline): Conflicting classifications of pathogenicity. Review status: criteria provided, conflicting classifications (1 of 4 stars). 11 submissions from 10 submitters: Uncertain significance (2); Benign (2); Likely benign (5). 2 of the submissions do not count toward it. Last evaluated 2026-08-01.

Conditions:
Cardiovascular phenotype. Identifiers: MedGen CN230736.
Cardiomyopathy (CMYO). Also called: Cardiomyopathies. Identifiers: Orphanet 167848, MedGen C0878544, MONDO:0004994, HP:0001638. Inheritance: Various modes of inheritance.
Hypertrophic cardiomyopathy 14. Identifiers: MedGen C2750467, MONDO:0013197, OMIM 613251.
Primary dilated cardiomyopathy (DCM). Also called: Dilated Cardiomyopathy. Identifiers: Orphanet 217604, MedGen C0007193, MeSH D002311, MONDO:0005021, HP:0001644. Inheritance: Various modes of inheritance.
Hypertrophic cardiomyopathy. Also called: HYPERTROPHIC MYOCARDIOPATHY. Identifiers: Orphanet 217569, MedGen C0007194, MeSH D002312, MONDO:0005045, HP:0001639.

Allele frequency attached by ClinVar (database versions not stated): gnomAD 0.00014 and 0.00033; TOPMed 0.00021; ESP Exome Variant Server 0.00023; ExAC 0.00088; gnomAD exomes 0.00088; 1000 Genomes Project 30x 0.00234; 1000 Genomes Project 0.00260.

Submissions (11):

CeGaT Center for Human Genetics Tuebingen
Classification: Likely benign. Last evaluated: 2026-08-01. Review status: criteria provided, single submitter. Criteria: CeGaT Center For Human Genetics Tuebingen Variant Classification Criteria Version 2. Collection method: clinical testing. Allele origin: germline. Affected: yes. Observed: 1 variant allele.
Comment: MYH6: BS1

Labcorp Genetics (formerly Invitae), Labcorp
Classification: Benign for Hypertrophic cardiomyopathy 14. Last evaluated: 2026-01-21. Review status: criteria provided, single submitter. Criteria: Invitae Variant Classification Sherloc (09022015). Collection method: clinical testing. Allele origin: germline.

GeneDx
Classification: Likely benign. Last evaluated: 2021-05-26. Review status: criteria provided, single submitter. Criteria: GeneDx Variant Classification Process June 2021. Collection method: clinical testing. Allele origin: germline. Affected: yes.

Women's Health and Genetics/Laboratory Corporation of America, LabCorp
Classification: Benign. Last evaluated: 2020-08-17. Review status: criteria provided, single submitter. Criteria: LabCorp Variant Classification Summary - May 2015. Collection method: clinical testing. Allele origin: germline.
Comment: Variant summary: MYH6 c.1132G>A (p.Gly378Ser) results in a non-conservative amino acid change in the encoded protein sequence. Three of five in-silico tools predict a damaging effect of the variant on protein function. The variant allele was found at a frequency of 0.00088 in 251172 control chromosomes, including 1 homozygote (gnomAD). The variant was found at a frequency of 0.006 within the East Asian subpopulation, this frequency is approximately 230-fold of the estimated maximal expected allele frequency for a pathogenic variant in MYH6 causing Cardiomyopathy phenotype (2.5e-05), strongly suggesting that the variant is a benign polymorphism. To our knowledge, no occurrence of c.1132G>A in individuals affected with Cardiomyopathy and no experimental evidence demonstrating its impact on protein function have been reported. Four clinical diagnostic laboratories have submitted clinical-significance assessments for this variant to ClinVar after 2014 without evidence for independent evaluation. All laboratories classified the variant as benign (1x) / likely benign (3x). Based on the evidence outlined above, the variant was classified as benign.

CHEO Genetics Diagnostic Laboratory, Children's Hospital of Eastern Ontario
Classification: Likely benign for Cardiomyopathy. Last evaluated: 2017-12-27. Review status: criteria provided, single submitter. Criteria: ACMG Guidelines, 2015. Collection method: clinical testing. Allele origin: germline.

Ambry Genetics
Classification: Likely benign for Cardiovascular phenotype. Last evaluated: 2017-12-12. Review status: criteria provided, single submitter. Criteria: Ambry Variant Classification Scheme 2023. Collection method: clinical testing. Allele origin: germline.

Laboratory for Molecular Medicine, Mass General Brigham Personalized Medicine
Classification: Likely benign. Last evaluated: 2013-12-26. Review status: criteria provided, single submitter. Criteria: LMM Criteria. Collection method: clinical testing. Allele origin: germline. Observed: 1 variant allele.
Comment: Gly378Ser in exon 12 of MYH6: This variant is not expected to have clinical sign ificance because it has been identified in 1.0% (6/572) of Asian chromosomes by the 1000 Genomes Project (dbSNP rs148962966). Gly378Ser in exon 12 of MYH6 (rs1 48962966; allele frequency = 1.0%, 6/572)

Genetics and Genomics Program, Sidra Medicine
Classification: Uncertain significance for Hypertrophic cardiomyopathy. Review status: criteria provided, single submitter. Criteria: ACMG Guidelines, 2015. Collection method: research. Allele origin: unknown. Affected: yes. Observed: 1 variant allele.

Genetics and Genomics Program, Sidra Medicine
Classification: Uncertain significance for Primary dilated cardiomyopathy. Review status: criteria provided, single submitter. Criteria: ACMG Guidelines, 2015. Collection method: research. Allele origin: unknown. Affected: yes. Observed: 1 variant allele.

Clinical Genetics DNA and cytogenetics Diagnostics Lab, Erasmus MC, Erasmus Medical Center
Classification: Likely benign. Review status: no assertion criteria provided. Collection method: clinical testing. Allele origin: germline. Affected: yes. Study: VKGL Data-share Consensus. Not counted in ClinVar's aggregate classification.

Clinical Genetics, Academic Medical Center
Classification: Benign. Review status: no assertion criteria provided. Collection method: clinical testing. Allele origin: germline. Affected: yes. Study: VKGL Data-share Consensus. Not counted in ClinVar's aggregate classification.

NM_002471.4(MYH6):c.1132G>A (p.Gly378Ser)

Gene: MYH6 (myosin heavy chain 6; minus strand). Cytogenetic location: 14q11.2.
Variant type: single nucleotide variant.
Coding change: c.1132G>A on transcript NM_002471.4 (MANE Select); coding-DNA position 1132, G replaced by A.
Protein change: p.Gly378Ser; replaces glycine 378 with serine.
Molecular consequence: missense variant.
Genome position (GRCh38, 1-based): chr14:23,402,473, C>T on the plus strand (G>A on the coding strand, the complement: MYH6 is on the minus strand). VCF-style: chr14-23402473-C-T. GRCh37 (hg19) VCF-style: chr14-23871682-C-T.
Other names: short protein forms G378S.
Identifiers: ClinVar variation 178075 (VCV000178075.26), dbSNP rs148962966, ClinGen allele CA181340.
Genomic context (GRCh38, chr14:23,402,473, plus strand): 5'-GCCTGGTCAGCACCTCAGGCCTTCCCAGGGCTGCCTGCCTGCCCCTCCCACCTTCGGTGC[C>T]GTCTGGCTCCGCCTGCTCCTCCCGCTGCTTCTGCTTGAACTTCATGTTCCCGTAGTGCAT-3'
Protein context (NP_002462.2, residues 368-388): KQREEQAEPD[Gly378Ser]TEDADKSAYL